The following is an entry in ClinVar:

NM_024334.3(TMEM43):c.62C>T (p.Ser21Phe)

Gene: TMEM43 (transmembrane protein 43; plus strand). Cytogenetic location: 3p25.1.
Variant type: single nucleotide variant.
Coding change: c.62C>T on transcript NM_024334.3 (MANE Select); coding-DNA position 62, C replaced by T.
Protein change: p.Ser21Phe; replaces serine 21 with phenylalanine.
Molecular consequence: missense variant.
Genome position (GRCh38, 1-based): chr3:14,129,461, C>T. VCF-style: chr3-14129461-C-T. GRCh37 (hg19) VCF-style: chr3-14170961-C-T.
Other names: p.S21F:TCC>TTC; short protein forms S21F.
Identifiers: ClinVar variation 202136 (VCV000202136.9), dbSNP rs794729183, ClinGen allele CA024726.

ClinVar aggregate classification (germline): Uncertain significance. Review status: criteria provided, multiple submitters, no conflicts (2 of 4 stars). 4 submissions from 4 submitters: Uncertain significance (4). Last evaluated 2024-08-16.

Conditions:
Cardiovascular phenotype. Identifiers: MedGen CN230736.
Arrhythmogenic right ventricular dysplasia 5. Also called: ARRHYTHMOGENIC RIGHT VENTRICULAR DYSPLASIA, FAMILIAL, 5; Arrhythmogenic Right Ventricular Dysplasia/Cardiomyopathy 5. Identifiers: MedGen C1858379, MONDO:0011459, OMIM 604400.

Allele frequency attached by ClinVar (database versions not stated): gnomAD exomes below 0.00001; gnomAD 0.00001.
gnomAD v4.1: 5 of 1,613,922 alleles (0.00031%); highest among the groups gnomAD compares: Non-Finnish European, 0.00042%; no homozygotes.

Submissions (4):

Blueprint Genetics
Classification: Uncertain significance. Last evaluated: 2024-08-16. Review status: criteria provided, single submitter. Criteria: ACMG Guidelines, 2015. Collection method: clinical testing. Allele origin: germline.

GeneDx
Classification: Uncertain significance. Last evaluated: 2023-10-27. Review status: criteria provided, single submitter. Criteria: GeneDx Variant Classification Process June 2021. Collection method: clinical testing. Allele origin: germline. Affected: yes.
Comment: Has not been previously published as pathogenic or benign to our knowledge; Not observed at significant frequency in large population cohorts (gnomAD); In silico analysis supports that this missense variant does not alter protein structure/function

Labcorp Genetics (formerly Invitae), Labcorp
Classification: Uncertain significance for Arrhythmogenic right ventricular dysplasia 5. Last evaluated: 2023-05-23. Review status: criteria provided, single submitter. Criteria: Invitae Variant Classification Sherloc (09022015). Collection method: clinical testing. Allele origin: germline.
Comment: In summary, the available evidence is currently insufficient to determine the role of this variant in disease. Therefore, it has been classified as a Variant of Uncertain Significance. An algorithm developed to predict the effect of missense changes on protein structure and function (PolyPhen-2) suggests that this variant is likely to be tolerated. ClinVar contains an entry for this variant (Variation ID: 202136). This variant has not been reported in the literature in individuals affected with TMEM43-related conditions. This variant is present in population databases (rs794729183, gnomAD 0.002%). This sequence change replaces serine, which is neutral and polar, with phenylalanine, which is neutral and non-polar, at codon 21 of the TMEM43 protein (p.Ser21Phe).

Ambry Genetics
Classification: Uncertain significance for Cardiovascular phenotype. Last evaluated: 2022-10-12. Review status: criteria provided, single submitter. Criteria: Ambry Variant Classification Scheme 2023. Collection method: clinical testing. Allele origin: germline.